The following is an entry in ClinVar:

NM_001110556.2(FLNA):c.5661C>T (p.Thr1887=)

Gene: FLNA (filamin A; minus strand). Cytogenetic location: Xq28.
Variant type: single nucleotide variant.
Coding change: c.5661C>T on transcript NM_001110556.2 (MANE Select); coding-DNA position 5661, C replaced by T.
Protein change: p.Thr1887=; no amino-acid change (threonine 1887 retained).
Molecular consequence: synonymous variant.
Genome position (GRCh38, 1-based): chrX:154,353,940, G>A on the plus strand (C>T on the coding strand, the complement: FLNA is on the minus strand). VCF-style: chrX-154353940-G-A. GRCh37 (hg19) VCF-style: chrX-153582308-G-A.
Other names: c.5661C>T (NM_001110556.1); c.5637C>T, p.Thr1879= (NM_001456.4).
Identifiers: ClinVar variation 439734 (VCV000439734.25), dbSNP rs782253233, ClinGen allele CA10560265.

ClinVar aggregate classification (germline): Benign/Likely benign. Review status: criteria provided, multiple submitters, no conflicts (2 of 4 stars). 5 submissions from 5 submitters: Benign (2); Likely benign (3). Last evaluated 2025-09-09.

Conditions:
Frontometaphyseal dysplasia (FMD1). Identifiers: Orphanet 1826, MedGen C0265293, MONDO:0015942.
Heterotopia, periventricular, X-linked dominant (PVNH1). Also called: PERIVENTRICULAR NODULAR HETEROTOPIA 4; HETEROTOPIA, PERIVENTRICULAR, 1; PERIVENTRICULAR NODULAR HETEROTOPIA 1; X-linked periventricular heterotopia. Identifiers: Orphanet 2149, Orphanet 82004, MedGen C1848213, MONDO:0010233, OMIM 300049.
Melnick-Needles syndrome (MNS). Also called: OSTEODYSPLASTY OF MELNICK AND NEEDLES; Melnick-Needles Syndrome (FLNA-MNS); MELNICK-NEEDLES OSTEODYSPLASTY. Identifiers: Orphanet 2484, MedGen C0025237, MONDO:0010650, OMIM 309350.
Oto-palato-digital syndrome, type II (OPD2). Also called: Otopalatodigital Syndrome Type 2 (FLNA-OPD2); FACIOPALATOOSSEOUS SYNDROME; Otopalatodigital Syndrome, Type II; OPD II SYNDROME. Identifiers: Orphanet 669, Orphanet 90652, MedGen C1844696, MONDO:0010571, OMIM 304120.
FLNA-related disorder.
Familial thoracic aortic aneurysm and aortic dissection (TAAD). Also called: Thoracic aortic aneurysms and dissections. Identifiers: Orphanet 91387, MedGen C4707243, MONDO:0019625.

Allele frequency attached by ClinVar (database versions not stated): gnomAD 0.00002; TOPMed 0.00004; gnomAD exomes 0.00021; ExAC 0.00022.
gnomAD v4.1: 45 of 1,210,856 alleles (0.0037%); highest among the groups gnomAD compares: Admixed American, 0.087%; 1 homozygote.

Submissions (5):

Labcorp Genetics (formerly Invitae), Labcorp
Classification: Benign for Oto-palato-digital syndrome, type II; Heterotopia, periventricular, X-linked dominant; Frontometaphyseal dysplasia; Melnick-Needles syndrome. Last evaluated: 2025-09-09. Review status: criteria provided, single submitter. Criteria: Invitae Variant Classification Sherloc (09022015). Collection method: clinical testing. Allele origin: germline.

PreventionGenetics, part of Exact Sciences
Classification: Likely benign for FLNA-related condition. Last evaluated: 2025-07-21. Review status: criteria provided, single submitter. Criteria: ACMG Guidelines, 2015. Collection method: clinical testing. Allele origin: germline.
Comment: This variant is classified as likely benign based on ACMG/AMP sequence variant interpretation guidelines (Richards et al. 2015 PMID: 25741868, with internal and published modifications).

Athena Diagnostics
Classification: Benign. Last evaluated: 2024-09-26. Review status: criteria provided, single submitter. Criteria: Athena Diagnostics Criteria. Collection method: clinical testing. Allele origin: unknown.

ARUP Laboratories, Molecular Genetics and Genomics, ARUP Laboratories
Classification: Likely benign. Last evaluated: 2016-09-23. Review status: criteria provided, single submitter. Criteria: ARUP Molecular Germline Variant Investigation Process. Collection method: clinical testing. Allele origin: germline.

Ambry Genetics
Classification: Likely benign for Familial thoracic aortic aneurysm and aortic dissection. Last evaluated: 2014-09-18. Review status: criteria provided, single submitter. Criteria: Ambry Variant Classification Scheme 2023. Collection method: clinical testing. Allele origin: germline.